The following is an entry in ClinVar:

NM_004656.4(BAP1):c.1387C>T (p.Leu463=)

Gene: BAP1 (BRCA1 associated deubiquitinase 1; minus strand). Cytogenetic location: 3p21.1.
Variant type: single nucleotide variant.
Coding change: c.1387C>T on transcript NM_004656.4 (MANE Select); coding-DNA position 1387, C replaced by T.
Protein change: p.Leu463=; no amino-acid change (leucine 463 retained).
Molecular consequence: synonymous variant.
Genome position (GRCh38, 1-based): chr3:52,403,758, G>A on the plus strand (C>T on the coding strand, the complement: BAP1 is on the minus strand). VCF-style: chr3-52403758-G-A. GRCh37 (hg19) VCF-style: chr3-52437774-G-A.
Identifiers: ClinVar variation 417278 (VCV000417278.16), dbSNP rs145361939, ClinGen allele CA2436813.

ClinVar aggregate classification (germline): Conflicting classifications of pathogenicity. Review status: criteria provided, conflicting classifications (1 of 4 stars). 5 submissions from 5 submitters: Uncertain significance (1); Benign (1); Likely benign (2). 1 of the submissions does not count toward it. Last evaluated 2025-07-31.

Conditions:
Hereditary cancer-predisposing syndrome. Also called: Tumor predisposition; Neoplastic Syndromes, Hereditary; Hereditary neoplastic syndrome; Hereditary Cancer Syndrome. Identifiers: Orphanet 140162, MedGen C0027672, MeSH D009386, MONDO:0015356.
BAP1-related tumor predisposition syndrome (TPDS1). Also called: BAP1 tumor predisposition syndrome; Tumor susceptibility linked to germline BAP1 mutations; COMMON Syndrome; TUMOR PREDISPOSITION SYNDROME 1. Identifiers: Orphanet 289539, MedGen C3280492, MONDO:0013692, OMIM 614327.

Allele frequency attached by ClinVar (database versions not stated): gnomAD exomes below 0.00001; ExAC 0.00001; gnomAD 0.00001; ESP Exome Variant Server 0.00008.
gnomAD v4.1: 7 of 1,614,000 alleles (0.00043%); highest among the groups gnomAD compares: African/African-American, 0.0013%; no homozygotes.

Submissions (5):

Labcorp Genetics (formerly Invitae), Labcorp
Classification: Likely benign for BAP1-related tumor predisposition syndrome. Last evaluated: 2025-07-31. Review status: criteria provided, single submitter. Criteria: Invitae Variant Classification Sherloc (09022015). Collection method: clinical testing. Allele origin: germline.

Myriad Genetics, Inc.
Classification: Benign for BAP1-related tumor predisposition syndrome. Last evaluated: 2024-07-16. Review status: criteria provided, single submitter. Criteria: Myriad Autosomal Dominant, Autosomal Recessive and X-Linked Classification Criteria (2023). Collection method: clinical testing. Allele origin: unknown.
Comment: This variant is considered benign. This variant is a silent/synonymous amino acid change and it is not expected to impact splicing.

GeneDx
Classification: Uncertain significance. Last evaluated: 2023-12-28. Review status: criteria provided, single submitter. Criteria: GeneDx Variant Classification Process June 2021. Collection method: clinical testing. Allele origin: germline. Affected: yes.
Comment: Not observed at significant frequency in large population cohorts (gnomAD); In silico analysis supports that this variant does not alter splicing; Has not been previously published as pathogenic or benign to our knowledge

Ambry Genetics
Classification: Likely benign for Hereditary cancer-predisposing syndrome. Last evaluated: 2019-12-07. Review status: criteria provided, single submitter. Criteria: Ambry Variant Classification Scheme 2023. Collection method: clinical testing. Allele origin: germline.

Genetic Services Laboratory, University of Chicago
Classification: Likely benign. Last evaluated: 2022-07-27. Review status: no assertion criteria provided. Collection method: clinical testing. Allele origin: germline. Affected: no. Not counted in ClinVar's aggregate classification.